The following is an entry in ClinVar:

ClinVar aggregate classification (germline): Uncertain significance. Review status: criteria provided, multiple submitters, no conflicts (2 of 4 stars). 2 submissions from 2 submitters: Uncertain significance (2). Last evaluated 2026-01-28.

Conditions:
Ataxia-telangiectasia syndrome (AT). Also called: Ataxia telangiectasia (A-T); LOUIS-BAR SYNDROME; ATAXIA-TELANGIECTASIA, FRESNO VARIANT; Ataxia-telangiectasia; Ataxia-telangiectasia, complementation group E; Ataxia-telangiectasia, complementation group D. Identifiers: Orphanet 100, MedGen C0004135, MONDO:0008840, OMIM 208900.
Hereditary cancer-predisposing syndrome. Also called: Tumor predisposition; Hereditary Cancer Syndrome; Neoplastic Syndromes, Hereditary; Hereditary neoplastic syndrome. Identifiers: Orphanet 140162, MedGen C0027672, MeSH D009386, MONDO:0015356.

Submissions (2):

Ambry Genetics
Classification: Uncertain significance for Hereditary cancer-predisposing syndrome. Last evaluated: 2026-01-28. Review status: criteria provided, single submitter. Criteria: Ambry Variant Classification Scheme 2023. Collection method: clinical testing. Allele origin: germline.
Comment: The p.D1836V variant (also known as c.5507A>T), located in coding exon 36 of the ATM gene, results from an A to T substitution at nucleotide position 5507. The aspartic acid at codon 1836 is replaced by valine, an amino acid with highly dissimilar properties. This amino acid position is highly conserved in available vertebrate species. In addition, this alteration is predicted to be deleterious by in silico analysis. Based on the available evidence, the clinical significance of this variant remains unclear.

Labcorp Genetics (formerly Invitae), Labcorp
Classification: Uncertain significance for Ataxia-telangiectasia syndrome. Last evaluated: 2018-11-19. Review status: criteria provided, single submitter. Criteria: Invitae Variant Classification Sherloc (09022015). Collection method: clinical testing. Allele origin: germline.
Comment: In summary, the available evidence is currently insufficient to determine the role of this variant in disease. Therefore, it has been classified as a Variant of Uncertain Significance. This sequence change replaces aspartic acid with valine at codon 1836 of the ATM protein (p.Asp1836Val). The aspartic acid residue is highly conserved and there is a large physicochemical difference between aspartic acid and valine. This variant is not present in population databases (ExAC no frequency). This variant has not been reported in the literature in individuals with ATM-related disease. ClinVar contains an entry for this variant (Variation ID: 524368). Algorithms developed to predict the effect of missense changes on protein structure and function are either unavailable or do not agree on the potential impact of this missense change (SIFT: "Deleterious"; PolyPhen-2: "Benign"; Align-GVGD: "Class C35").

NM_000051.4(ATM):c.5507A>T (p.Asp1836Val)

Gene: ATM (ATM serine/threonine kinase; plus strand). Cytogenetic location: 11q22.3.
Variant type: single nucleotide variant.
Coding change: c.5507A>T on transcript NM_000051.4 (MANE Select); coding-DNA position 5507, A replaced by T.
Protein change: p.Asp1836Val; replaces aspartic acid 1836 with valine.
Molecular consequence: missense variant.
Genome position (GRCh38, 1-based): chr11:108,304,685, A>T. VCF-style: chr11-108304685-A-T. GRCh37 (hg19) VCF-style: chr11-108175412-A-T.
Other names: c.5507A>T, p.Asp1836Val (NM_001351834.2); short protein forms D1836V.
Identifiers: ClinVar variation 524368 (VCV000524368.9), dbSNP rs1555107256, ClinGen allele CA382545701.
Genomic context (GRCh38, chr11:108,304,685, plus strand): 5'-TTTACTCATTTTTACTCAAACTATTGGGTGGATTTGTTTGTATATTCTAGGTGAAAACTG[A>T]CTTTTGTCAGACTGTACTTCCATACTTGATTCATGATATTTTACTCCAAGATACAAATGA-3'
Protein context (NP_000042.3, residues 1826-1846): LLKPMCEVKT[Asp1836Val]FCQTVLPYLI